The following is an entry in ClinVar:

ClinVar aggregate classification (germline): Uncertain significance (1 of 4 stars; one submission).

Allele frequency attached by ClinVar (database versions not stated): TOPMed below 0.00001.

Submission:

Ambry Genetics
Classification: Uncertain significance. Last evaluated: 2022-07-17. Review status: criteria provided, single submitter. Criteria: Ambry Variant Classification Scheme 2023. Collection method: clinical testing. Allele origin: germline.
Comment: The p.A1581T variant (also known as c.4741G>A), located in coding exon 42 of the KIF1B gene, results from a G to A substitution at nucleotide position 4741. The alanine at codon 1581 is replaced by threonine, an amino acid with similar properties. This amino acid position is conserved. In addition, this alteration is predicted to be tolerated by in silico analysis. Since supporting evidence is limited at this time, the clinical significance of this alteration remains unclear.

NM_001365951.3(KIF1B):c.4879G>A (p.Ala1627Thr)

Gene: KIF1B (kinesin family member 1B; plus strand). Cytogenetic location: 1p36.22.
Variant type: single nucleotide variant.
Coding change: c.4879G>A on transcript NM_001365951.3 (MANE Select); coding-DNA position 4879, G replaced by A.
Protein change: p.Ala1627Thr; replaces alanine 1627 with threonine.
Molecular consequence: missense variant.
Genome position (GRCh38, 1-based): chr1:10,371,195, G>A. VCF-style: chr1-10371195-G-A. GRCh37 (hg19) VCF-style: chr1-10431253-G-A.
Other names: c.4879G>A, p.Ala1627Thr (NM_001365952.1); c.4741G>A, p.Ala1581Thr (NM_015074.3); short protein forms A1627T, A1581T.
Identifiers: ClinVar variation 1742775 (VCV001742775.2), dbSNP rs1432376570, ClinGen allele CA338327538.